The following is an entry in ClinVar:

NC_000001.10:g.(?_243652296)_(243859038_?)del

Genes: AKT3 (AKT serine/threonine kinase 3; minus strand), SDCCAG8 (SHH signaling and ciliogenesis regulator SDCCAG8; plus strand). Cytogenetic location: 1q43-44.
Variant type: Deletion.
Identifiers: ClinVar variation 2425356 (VCV002425356.4).

ClinVar aggregate classification (germline): Pathogenic (1 of 4 stars; one submission).

Conditions:
Megalencephaly-polymicrogyria-polydactyly-hydrocephalus syndrome 2 (MPPH2). Also called: MEGALENCEPHALY-POLYMICROGYRIA-POLYDACTYLY-HYDROCEPHALUS SYNDROME 2, SOMATIC. Identifiers: Orphanet 83473, MedGen C4014738, MONDO:0014407, OMIM 615937.

Submission:

Labcorp Genetics (formerly Invitae), Labcorp
Classification: Pathogenic for Megalencephaly-polymicrogyria-polydactyly-hydrocephalus syndrome 2. Last evaluated: 2022-10-20. Review status: criteria provided, single submitter. Criteria: Invitae Variant Classification Sherloc (09022015). Collection method: clinical testing. Allele origin: germline.
Comment: For these reasons, this variant has been classified as Pathogenic. This variant disrupts a region of the AKT3 protein in which other variant(s) (p.Arg465Trp) have been determined to be pathogenic (PMID: 22729224, 23745724, 24705253). This suggests that this is a clinically significant region of the protein, and that variants that disrupt it are likely to be disease-causing. This variant has not been reported in the literature in individuals affected with AKT3-related conditions. This variant is a gross deletion of the genomic region encompassing exon(s) 2-13 of the AKT3 gene, which includes the termination codon. This deletion extends beyond the assayed region for this gene and therefore may encompass additional genes. While this deletion is not anticipated to lead to nonsense mediated decay, it is expected to alter mRNA translation or result in a truncated protein product.

Literature cited by the submitters: PubMed 22729224; PubMed 23745724; PubMed 24705253.